The following is an entry in ClinVar:

NM_001378452.1(ITPR1):c.6561A>T (p.Gln2187His)

Gene: ITPR1 (inositol 1,4,5-trisphosphate receptor type 1; plus strand). Cytogenetic location: 3p26.1.
Variant type: single nucleotide variant.
Coding change: c.6561A>T on transcript NM_001378452.1 (MANE Select); coding-DNA position 6561, A replaced by T.
Protein change: p.Gln2187His; replaces glutamine 2187 with histidine.
Molecular consequence: missense variant.
Genome position (GRCh38, 1-based): chr3:4,783,866, A>T. VCF-style: chr3-4783866-A-T. GRCh37 (hg19) VCF-style: chr3-4825550-A-T.
Other names: c.6417A>T, p.Gln2139His (NM_001099952.4); c.6516A>T, p.Gln2172His (NM_001168272.2); c.6372A>T, p.Gln2124His (NM_002222.7); short protein forms Q2124H, Q2139H, Q2172H, Q2187H.
Identifiers: ClinVar variation 1305601 (VCV001305601.6), dbSNP rs1369061682, ClinGen allele CA351640041.

ClinVar aggregate classification (germline): Uncertain significance. Review status: criteria provided, multiple submitters, no conflicts (2 of 4 stars). 2 submissions from 2 submitters: Uncertain significance (2). Last evaluated 2024-06-21.

Allele frequency attached by ClinVar (database versions not stated): gnomAD 0.00002.
gnomAD v4.1: 6 of 1,610,570 alleles (0.00037%); highest among the groups gnomAD compares: Admixed American, 0.0017%; no homozygotes.

Submissions (2):

GeneDx
Classification: Uncertain significance. Last evaluated: 2024-06-21. Review status: criteria provided, single submitter. Criteria: GeneDx Variant Classification Process June 2021. Collection method: clinical testing. Allele origin: germline. Affected: yes.
Comment: In silico analysis indicates that this missense variant does not alter protein structure/function; Has not been previously published as pathogenic or benign to our knowledge

Labcorp Genetics (formerly Invitae), Labcorp
Classification: Uncertain significance. Last evaluated: 2023-06-20. Review status: criteria provided, single submitter. Criteria: Invitae Variant Classification Sherloc (09022015). Collection method: clinical testing. Allele origin: germline.
Comment: This variant has not been reported in the literature in individuals affected with ITPR1-related conditions. In summary, the available evidence is currently insufficient to determine the role of this variant in disease. Therefore, it has been classified as a Variant of Uncertain Significance. Advanced modeling of protein sequence and biophysical properties (such as structural, functional, and spatial information, amino acid conservation, physicochemical variation, residue mobility, and thermodynamic stability) performed at Invitae indicates that this missense variant is not expected to disrupt ITPR1 protein function. ClinVar contains an entry for this variant (Variation ID: 1305601). This variant is present in population databases (no rsID available, gnomAD 0.004%). This sequence change replaces glutamine, which is neutral and polar, with histidine, which is basic and polar, at codon 2124 of the ITPR1 protein (p.Gln2124His).